The following is an entry in ClinVar:

ClinVar aggregate classification (germline): Likely benign. Review status: criteria provided, multiple submitters, no conflicts (2 of 4 stars). 2 submissions from 2 submitters: Likely benign (2). Last evaluated 2025-08-08.

Conditions:
3-methylglutaconic aciduria, type VIIB (MGCA7B). Also called: 3-methylglutaconic aciduria, type VII, with cataracts, neurologic involvement and neutropenia; CLPB Deficiency; 3-methylglutaconic aciduria with cataracts, neurologic involvement and neutropenia. Identifiers: Orphanet 445038, MedGen C5676893, MONDO:0014561, OMIM 616271.

Allele frequency attached by ClinVar (database versions not stated): ExAC 0.00001; gnomAD 0.00001; gnomAD exomes 0.00001; TOPMed 0.00001.
gnomAD v4.1: 14 of 1,614,070 alleles (0.00087%); highest among the groups gnomAD compares: Middle Eastern, 0.049%; no homozygotes.

Submissions (2):

Labcorp Genetics (formerly Invitae), Labcorp
Classification: Likely benign for 3-methylglutaconic aciduria, type VIIB. Last evaluated: 2025-08-08. Review status: criteria provided, single submitter. Criteria: Invitae Variant Classification Sherloc (09022015). Collection method: clinical testing. Allele origin: germline.

GeneDx
Classification: Likely benign. Last evaluated: 2020-12-30. Review status: criteria provided, single submitter. Criteria: GeneDx Variant Classification Process June 2021. Collection method: clinical testing. Allele origin: germline. Affected: yes.
Comment: See Variant Classification Assertion Criteria.

NM_001258392.3(CLPB):c.1428G>A (p.Ala476=)

Gene: CLPB (ClpB family mitochondrial disaggregase; minus strand). Cytogenetic location: 11q13.4.
Variant type: single nucleotide variant.
Coding change: c.1428G>A on transcript NM_001258392.3 (MANE Select); coding-DNA position 1428, G replaced by A.
Protein change: p.Ala476=; no amino-acid change (alanine 476 retained).
Molecular consequence: synonymous variant.
Genome position (GRCh38, 1-based): chr11:72,295,550, C>T on the plus strand (G>A on the coding strand, the complement: CLPB is on the minus strand). VCF-style: chr11-72295550-C-T. GRCh37 (hg19) VCF-style: chr11-72006594-C-T.
Other names: c.1341G>A, p.Ala447= (NM_001258393.3); c.1383G>A, p.Ala461= (NM_001258394.3); c.1518G>A, p.Ala506= (NM_030813.6).
Identifiers: ClinVar variation 1092263 (VCV001092263.10), dbSNP rs750997439, ClinGen allele CA6171173.
Genomic context (GRCh38, chr11:72,295,550, plus strand): 5'-ACCCAGGTTTTCGGCAATACGGTTACGGCTCATCTCCAAAGCTTCCTGCCTCAGCTGCAG[C>T]GCGTGCTGTGCGATCTCGTCGCTGGCCACATTGGAGGTCATGATGAAGATGGCGTCCTTG-3'
Protein context (NP_001245321.1, residues 466-486): NVASDEIAQH[Ala476=]LQLRQEALEM